The following is an entry in ClinVar:

ClinVar aggregate classification (germline): Uncertain significance. Review status: criteria provided, multiple submitters, no conflicts (2 of 4 stars). 2 submissions from 2 submitters: Uncertain significance (2). Last evaluated 2025-09-15.

Conditions:
Aortic aneurysm, familial thoracic 7 (AAT7). Also called: AORTIC DISSECTION, FAMILIAL, WITH OR WITHOUT AORTIC ANEURYSM. Identifiers: MedGen C3151077, MONDO:0013418, OMIM 613780.
Familial thoracic aortic aneurysm and aortic dissection (TAAD). Also called: Thoracic aortic aneurysms and dissections. Identifiers: Orphanet 91387, MedGen C4707243, MONDO:0019625.

Allele frequency attached by ClinVar (database versions not stated): TOPMed below 0.00001; gnomAD 0.00003.
gnomAD v4.1: 21 of 1,614,082 alleles (0.0013%); highest among the groups gnomAD compares: Non-Finnish European, 0.0016%; no homozygotes.

Submissions (2):

Labcorp Genetics (formerly Invitae), Labcorp
Classification: Uncertain significance for Aortic aneurysm, familial thoracic 7. Last evaluated: 2025-09-15. Review status: criteria provided, single submitter. Criteria: Invitae Variant Classification Sherloc (09022015). Collection method: clinical testing. Allele origin: germline.
Comment: This sequence change replaces valine, which is neutral and non-polar, with leucine, which is neutral and non-polar, at codon 337 of the MYLK protein (p.Val337Leu). This variant is present in population databases (rs760242263, gnomAD 0.002%). This variant has not been reported in the literature in individuals affected with MYLK-related conditions. ClinVar contains an entry for this variant (Variation ID: 653685). Invitae Evidence Modeling of protein sequence and biophysical properties (such as structural, functional, and spatial information, amino acid conservation, physicochemical variation, residue mobility, and thermodynamic stability) indicates that this missense variant is not expected to disrupt MYLK protein function with a negative predictive value of 95%. In summary, the available evidence is currently insufficient to determine the role of this variant in disease. Therefore, it has been classified as a Variant of Uncertain Significance.

Ambry Genetics
Classification: Uncertain significance for Familial thoracic aortic aneurysm and aortic dissection. Last evaluated: 2024-10-08. Review status: criteria provided, single submitter. Criteria: Ambry Variant Classification Scheme 2023. Collection method: clinical testing. Allele origin: germline.
Comment: The p.V337L variant (also known as c.1009G>C), located in coding exon 7 of the MYLK gene, results from a G to C substitution at nucleotide position 1009. The valine at codon 337 is replaced by leucine, an amino acid with highly similar properties. This amino acid position is conserved. In addition, this alteration is predicted to be tolerated by in silico analysis. Since supporting evidence is limited at this time, the clinical significance of this alteration remains unclear.

NM_053025.4(MYLK):c.1009G>C (p.Val337Leu)

Gene: MYLK (myosin light chain kinase; minus strand). Cytogenetic location: 3q21.1.
Variant type: single nucleotide variant.
Coding change: c.1009G>C on transcript NM_053025.4 (MANE Select); coding-DNA position 1009, G replaced by C.
Protein change: p.Val337Leu; replaces valine 337 with leucine.
Molecular consequence: missense variant.
Genome position (GRCh38, 1-based): chr3:123,733,987, C>G on the plus strand (G>C on the coding strand, the complement: MYLK is on the minus strand). VCF-style: chr3-123733987-C-G. GRCh37 (hg19) VCF-style: chr3-123452834-C-G.
Other names: c.481G>C, p.Val161Leu (NM_001321309.2); c.1009G>C, p.Val337Leu (NM_053026.4, NM_053027.4, NM_053028.4); short protein forms V161L, V337L.
Identifiers: ClinVar variation 653685 (VCV000653685.8), dbSNP rs760242263, ClinGen allele CA066617.
Genomic context (GRCh38, chr3:123,733,987, plus strand): 5'-TTGGTTCCGGCTGAACTCTTGCGGCCTGCAGGGTGATGGAGCTGGAAGTCTTCTGAAGGA[C>G]CGGGGTCTGCGGGGCCGTTCTGGGCGAGTCCTTGCATGACTCCAGCTTGGACTCCCTTGG-3'
Protein context (NP_444253.3, residues 327-347): DSPRTAPQTP[Val337Leu]LQKTSSSITL